The following is an entry in ClinVar:

NM_001358530.2(MOCS1):c.929A>C (p.His310Pro)

Gene: MOCS1 (molybdenum cofactor synthesis 1; minus strand). Cytogenetic location: 6p21.2.
Variant type: single nucleotide variant.
Coding change: c.929A>C on transcript NM_001358530.2 (MANE Select); coding-DNA position 929, A replaced by C.
Protein change: p.His310Pro; replaces histidine 310 with proline.
Molecular consequence: missense variant. On other transcripts: non-coding transcript variant (1).
Genome position (GRCh38, 1-based): chr6:39,912,316, T>G on the plus strand (A>C on the coding strand, the complement: MOCS1 is on the minus strand). VCF-style: chr6-39912316-T-G. GRCh37 (hg19) VCF-style: chr6-39880060-T-G.
Other names: c.929A>C, p.His310Pro (NM_001075098.4, NM_001358529.2, NM_005943.6); c.668A>C, p.His223Pro (NM_001358531.2, NM_001358533.2, NM_001358534.2); short protein forms H223P, H310P.
Identifiers: ClinVar variation 2087648 (VCV002087648.4), dbSNP rs200044309, ClinGen allele CA364043080.
Genomic context (GRCh38, chr6:39,912,316, plus strand): 5'-ATGCTCACCTTGAGGTTCCCATCAGCTGTGATTCGCAGGCGGTTGCAGGTCCCACAGAAA[T>G]GCTCAGACATGGATGTGATGAAGCTGATCTGGCCTTGGAAGCCAGGGATTTTAAAGGCCT-3'
Protein context (NP_001345459.1, residues 300-320): QISFITSMSE[His310Pro]FCGTCNRLRI

ClinVar aggregate classification (germline): Uncertain significance (1 of 4 stars; one submission).

Conditions:
Sulfite oxidase deficiency due to molybdenum cofactor deficiency type A. Also called: Molybdenum cofactor deficiency, complementation group A; Molybdenum Cofactor Deficiency A. Identifiers: Orphanet 308386, Orphanet 833, MedGen C1854988, MONDO:0009643, OMIM 252150.

Submission:

Labcorp Genetics (formerly Invitae), Labcorp
Classification: Uncertain significance for Sulfite oxidase deficiency due to molybdenum cofactor deficiency type A. Last evaluated: 2022-01-18. Review status: criteria provided, single submitter. Criteria: Invitae Variant Classification Sherloc (09022015). Collection method: clinical testing. Allele origin: germline.
Comment: In summary, the available evidence is currently insufficient to determine the role of this variant in disease. Therefore, it has been classified as a Variant of Uncertain Significance. Algorithms developed to predict the effect of missense changes on protein structure and function are either unavailable or do not agree on the potential impact of this missense change (SIFT: "Not Available"; PolyPhen-2: "Possibly Damaging"; Align-GVGD: "Not Available"). This variant has not been reported in the literature in individuals affected with MOCS1-related conditions. This variant is not present in population databases (gnomAD no frequency). This sequence change replaces histidine, which is basic and polar, with proline, which is neutral and non-polar, at codon 310 of the MOCS1 protein (p.His310Pro).